The following is an entry in ClinVar:

ClinVar aggregate classification (germline): Uncertain significance. Review status: criteria provided, multiple submitters, no conflicts (2 of 4 stars). 3 submissions from 3 submitters: Uncertain significance (2). 1 of the submissions does not count toward it. Last evaluated 2024-02-05.

Conditions:
Maturity-onset diabetes of the young (MODY). Also called: Maturity onset diabetes mellitus in young. Identifiers: Orphanet 552, MedGen C0342276, MONDO:0018911, HP:0004904.

Allele frequency attached by ClinVar (database versions not stated): TOPMed 0.00001.

Submissions (3):

Labcorp Genetics (formerly Invitae), Labcorp
Classification: Uncertain significance. Last evaluated: 2024-02-05. Review status: criteria provided, single submitter. Criteria: Invitae Variant Classification Sherloc (09022015). Collection method: clinical testing. Allele origin: germline.
Comment: This sequence change replaces serine, which is neutral and polar, with phenylalanine, which is neutral and non-polar, at codon 362 of the HNF1B protein (p.Ser362Phe). This variant is not present in population databases (gnomAD no frequency). This missense change has been observed in individual(s) with diabetes (PMID: 27913849). ClinVar contains an entry for this variant (Variation ID: 594889). Advanced modeling of protein sequence and biophysical properties (such as structural, functional, and spatial information, amino acid conservation, physicochemical variation, residue mobility, and thermodynamic stability) performed at Invitae indicates that this missense variant is not expected to disrupt HNF1B protein function with a negative predictive value of 80%. In summary, the available evidence is currently insufficient to determine the role of this variant in disease. Therefore, it has been classified as a Variant of Uncertain Significance.

Eurofins Ntd Llc (ga)
Classification: Uncertain significance. Last evaluated: 2017-11-07. Review status: criteria provided, single submitter. Criteria: EGL Classification Definitions 2015. Collection method: clinical testing. Allele origin: germline. Observed: 2 variant alleles, 2 heterozygotes.

Clinical Genomics, Uppaluri K&H Personalized Medicine Clinic
Classification: Likely risk allele for Maturity-onset diabetes of the young. Review status: flagged submission. Criteria: K & H Uppaluri Personalized Medicine Clinic Variant Classification & Assertion Criteria_Updated V.1. Collection method: research. Allele origin: unknown. Inheritance: Autosomal dominant inheritance. Not counted in ClinVar's aggregate classification.
Comment: HNF1B gene mutations are associated with early onset diabetes and pancreatic atrophy. It is also associated with multiple renal manifestations including renal cysts, Tubulointerstitial disease, glomerulocystic disease, renal hypoplasia, hypomagnesemia. However no sufficient evidence is found to ascertain the role of this particular variant rs1024639436, yet.
ClinVar note: Notes: Lab calls the variant likely risk allele but says "no sufficient evidence is found to ascertain the role of this particular variant".
ClinVar note: Reason: Claim with insufficient supporting evidence

Literature cited by the submitters: PubMed 27913849 (cited by Labcorp Genetics (formerly Invitae), Labcorp and Eurofins Ntd Llc (ga)); PubMed 24897035 (cited by Clinical Genomics, Uppaluri K&H Personalized Medicine Clinic); PubMed 25536396 (cited by Clinical Genomics, Uppaluri K&H Personalized Medicine Clinic); PubMed 27615128 (cited by Clinical Genomics, Uppaluri K&H Personalized Medicine Clinic); PubMed 28215227 (cited by Clinical Genomics, Uppaluri K&H Personalized Medicine Clinic); PubMed 33434175 (cited by Clinical Genomics, Uppaluri K&H Personalized Medicine Clinic); PubMed 25741167 (cited by Clinical Genomics, Uppaluri K&H Personalized Medicine Clinic); PubMed 26340261 (cited by Clinical Genomics, Uppaluri K&H Personalized Medicine Clinic); PubMed 19639018 (cited by Clinical Genomics, Uppaluri K&H Personalized Medicine Clinic).

NM_000458.4(HNF1B):c.1085C>T (p.Ser362Phe)

Gene: HNF1B (HNF1 homeobox B; minus strand). Cytogenetic location: 17q12.
Variant type: single nucleotide variant.
Coding change: c.1085C>T on transcript NM_000458.4 (MANE Select); coding-DNA position 1085, C replaced by T.
Protein change: p.Ser362Phe; replaces serine 362 with phenylalanine.
Molecular consequence: missense variant.
Genome position (GRCh38, 1-based): chr17:37,710,624, G>A on the plus strand (C>T on the coding strand, the complement: HNF1B is on the minus strand). VCF-style: chr17-37710624-G-A. GRCh37 (hg19) VCF-style: chr17-36070632-G-A.
Other names: c.1007C>T, p.Ser336Phe (NM_001165923.4, NM_001304286.2); short protein forms S362F, S336F.
Identifiers: ClinVar variation 594889 (VCV000594889.9), dbSNP rs1024639436, ClinGen allele CA290300529.